The following is an entry in ClinVar:

NM_002180.3(IGHMBP2):c.2194A>G (p.Met732Val)

Gene: IGHMBP2 (immunoglobulin mu DNA binding protein 2; plus strand). Cytogenetic location: 11q13.3.
Variant type: single nucleotide variant.
Coding change: c.2194A>G on transcript NM_002180.3 (MANE Select); coding-DNA position 2194, A replaced by G.
Protein change: p.Met732Val; replaces methionine 732 with valine.
Molecular consequence: missense variant.
Genome position (GRCh38, 1-based): chr11:68,936,674, A>G. VCF-style: chr11-68936674-A-G. GRCh37 (hg19) VCF-style: chr11-68704142-A-G.
Other names: short protein forms M732V.
Identifiers: ClinVar variation 305850 (VCV000305850.10), dbSNP rs750717921, ClinGen allele CA6153858.

ClinVar aggregate classification (germline): Uncertain significance. Review status: criteria provided, multiple submitters, no conflicts (2 of 4 stars). 2 submissions from 2 submitters: Uncertain significance (2). Last evaluated 2021-08-31.

Conditions:
Charcot-Marie-Tooth disease axonal type 2S. Also called: CHARCOT-MARIE-TOOTH NEUROPATHY, TYPE 2S; CHARCOT-MARIE-TOOTH DISEASE, AXONAL, AUTOSOMAL RECESSIVE, TYPE 2S. Identifiers: Orphanet 443073, MedGen C4015349, MONDO:0014511, OMIM 616155.
Autosomal recessive distal spinal muscular atrophy 1. Also called: HMN VI; NEURONOPATHY, SEVERE INFANTILE AXONAL, WITH RESPIRATORY FAILURE; SEVERE INFANTILE AXONAL NEUROPATHY WITH RESPIRATORY FAILURE; SPINAL MUSCULAR ATROPHY, DIAPHRAGMATIC; Spinal muscular atrophy with respiratory distress 1; NEURONOPATHY, DISTAL HEREDITARY MOTOR, HARDING TYPE VI. Identifiers: Orphanet 98920, MedGen C1858517, MONDO:0011436, OMIM 604320.

Allele frequency attached by ClinVar (database versions not stated): TOPMed below 0.00001; gnomAD 0.00001; gnomAD exomes 0.00002 and 0.00003; ExAC 0.00005.
gnomAD v4.1: 30 of 1,613,948 alleles (0.0019%); highest among the groups gnomAD compares: East Asian, 0.045%; no homozygotes.

Submissions (2):

Labcorp Genetics (formerly Invitae), Labcorp
Classification: Uncertain significance for Autosomal recessive distal spinal muscular atrophy 1; Charcot-Marie-Tooth disease axonal type 2S. Last evaluated: 2021-08-31. Review status: criteria provided, single submitter. Criteria: Invitae Variant Classification Sherloc (09022015). Collection method: clinical testing. Allele origin: germline.
Comment: This sequence change replaces methionine with valine at codon 732 of the IGHMBP2 protein (p.Met732Val). The methionine residue is weakly conserved and there is a small physicochemical difference between methionine and valine. This variant is present in population databases (rs750717921, ExAC 0.06%). This variant has not been reported in the literature in individuals affected with IGHMBP2-related conditions. ClinVar contains an entry for this variant (Variation ID: 305850). Algorithms developed to predict the effect of missense changes on protein structure and function output the following: SIFT: "Tolerated"; PolyPhen-2: "Benign"; Align-GVGD: "Class C0". The valine amino acid residue is found in multiple mammalian species, which suggests that this missense change does not adversely affect protein function. In summary, the available evidence is currently insufficient to determine the role of this variant in disease. Therefore, it has been classified as a Variant of Uncertain Significance.

Illumina Laboratory Services, Illumina
Classification: Uncertain significance for Autosomal recessive distal spinal muscular atrophy 1. Last evaluated: 2018-01-13. Review status: criteria provided, single submitter. Criteria: ICSL Variant Classification Criteria 13 December 2019. Collection method: clinical testing. Allele origin: germline.